The following is an entry in ClinVar:

NM_014915.3(ANKRD26):c.1558A>G (p.Lys520Glu)

Gene: ANKRD26 (ankyrin repeat domain containing 26; minus strand). Cytogenetic location: 10p12.1.
Variant type: single nucleotide variant.
Coding change: c.1558A>G on transcript NM_014915.3 (MANE Select); coding-DNA position 1558, A replaced by G.
Protein change: p.Lys520Glu; replaces lysine 520 with glutamic acid.
Molecular consequence: missense variant.
Genome position (GRCh38, 1-based): chr10:27,060,351, T>C on the plus strand (A>G on the coding strand, the complement: ANKRD26 is on the minus strand). VCF-style: chr10-27060351-T-C. GRCh37 (hg19) VCF-style: chr10-27349280-T-C.
Other names: c.1558A>G, p.Lys520Glu (NM_001256053.2); short protein forms K520E.
Identifiers: ClinVar variation 3912150 (VCV003912150.1).

ClinVar aggregate classification (germline): Uncertain significance (1 of 4 stars; one submission).

Conditions:
Inborn genetic diseases. Identifiers: MedGen C0950123, MeSH D030342.

gnomAD v4.1: 1 of 1,603,980 alleles (0.000062%); highest among the groups gnomAD compares: African/African-American, 0.0013%; no homozygotes.

Submission:

Ambry Genetics
Classification: Uncertain significance for Inborn genetic diseases. Last evaluated: 2025-06-04. Review status: criteria provided, single submitter. Criteria: Ambry Variant Classification Scheme 2023. Collection method: clinical testing. Allele origin: germline.
Comment: The p.K520E variant (also known as c.1558A>G), located in coding exon 15 of the ANKRD26 gene, results from an A to G substitution at nucleotide position 1558. The lysine at codon 520 is replaced by glutamic acid, an amino acid with similar properties. This amino acid position is conserved. In addition, this alteration is predicted to be tolerated by in silico analysis. Based on the available evidence, the clinical significance of this variant remains unclear.